The following is an entry in ClinVar:

ClinVar aggregate classification (germline): Likely benign (1 of 4 stars; one submission).

gnomAD v4.1: 12,166 of 1,614,174 alleles (0.75%); highest among the groups gnomAD compares: Non-Finnish European, 0.75%; 88 homozygotes.

Submission:

CeGaT Center for Human Genetics Tuebingen
Classification: Likely benign. Last evaluated: 2026-09-01. Review status: criteria provided, single submitter. Criteria: CeGaT Center For Human Genetics Tuebingen Variant Classification Criteria Version 2. Collection method: clinical testing. Allele origin: germline. Affected: yes. Observed: 1 variant allele.
Comment: PHF12: BS2

NM_001033561.2(PHF12):c.1888A>C (p.Ser630Arg)

Gene: PHF12 (PHD finger protein 12; minus strand). Cytogenetic location: 17q11.2.
Variant type: single nucleotide variant.
Coding change: c.1888A>C on transcript NM_001033561.2 (MANE Select); coding-DNA position 1888, A replaced by C.
Protein change: p.Ser630Arg; replaces serine 630 with arginine.
Molecular consequence: missense variant.
Genome position (GRCh38, 1-based): chr17:28,912,683, T>G on the plus strand (A>C on the coding strand, the complement: PHF12 is on the minus strand). VCF-style: chr17-28912683-T-G. GRCh37 (hg19) VCF-style: chr17-27239701-T-G.
Other names: c.1888A>C, p.Ser630Arg (NM_001290131.2, NM_020889.3); short protein forms S630R.
Identifiers: ClinVar variation 5040799 (VCV005040799.1).